The following is an entry in ClinVar:

NM_021072.4(HCN1):c.4G>A (p.Glu2Lys)

Gene: HCN1 (hyperpolarization activated cyclic nucleotide gated potassium channel 1; minus strand). Cytogenetic location: 5p12.
Variant type: single nucleotide variant.
Coding change: c.4G>A on transcript NM_021072.4 (MANE Select); coding-DNA position 4, G replaced by A.
Protein change: p.Glu2Lys; replaces glutamic acid 2 with lysine.
Molecular consequence: missense variant.
Genome position (GRCh38, 1-based): chr5:45,696,090, C>T on the plus strand (G>A on the coding strand, the complement: HCN1 is on the minus strand). VCF-style: chr5-45696090-C-T. GRCh37 (hg19) VCF-style: chr5-45696192-C-T.
Other names: short protein forms E2K.
Identifiers: ClinVar variation 3776707 (VCV003776707.2).

ClinVar aggregate classification (germline): Uncertain significance (1 of 4 stars; one submission).

Submission:

GeneDx
Classification: Uncertain significance. Last evaluated: 2026-03-03. Review status: criteria provided, single submitter. Criteria: GeneDx Variant Classification Process June 2021. Collection method: clinical testing. Allele origin: germline.
Comment: Not observed at significant frequency in large population cohorts (gnomAD); In silico analysis suggests that this missense variant does not alter protein structure/function; Has not been previously published as pathogenic or benign to our knowledge